The following is an entry in ClinVar:

NM_001384125.1(BLTP1):c.10741-5T>C

Gene: BLTP1 (bridge-like lipid transfer protein family member 1; plus strand). Cytogenetic location: 4q27.
Variant type: single nucleotide variant.
Coding change: c.10741-5T>C on transcript NM_001384125.1 (MANE Select); 5 bases into the intron before coding-DNA position 10741, T replaced by C.
Molecular consequence: intron variant.
Genome position (GRCh38, 1-based): chr4:122,316,727, T>C. VCF-style: chr4-122316727-T-C. GRCh37 (hg19) VCF-style: chr4-123237882-T-C.
Other names: c.10540-5T>C (NM_015312.4).
Identifiers: ClinVar variation 1805678 (VCV001805678.1), dbSNP rs2482017123, ClinGen allele CA923726152.
Genomic context (GRCh38, chr4:122,316,727, plus strand): 5'-GTGATAGTATAGATTTGCTGTGTGACTTGAGGGTGGTATTGACAGATACACTTTTGACTT[T>C]TCAGGAAGCCACAGATTATCGAAGACAGGCAGCATCTGCTAGCCAGCCGGGAGAACTTAG-3'

ClinVar aggregate classification (germline): Uncertain significance (1 of 4 stars; one submission).

Conditions:
Alkuraya-Kucinskas syndrome. Identifiers: Orphanet 610569, MedGen C4693347, MONDO:0060631, OMIM 617822.

Submission:

Victorian Clinical Genetics Services, Murdoch Childrens Research Institute
Classification: Uncertain significance for Alkuraya-Kucinskas syndrome. Last evaluated: 2020-05-21. Review status: criteria provided, single submitter. Criteria: ACMG Guidelines, 2015. Collection method: clinical testing. Allele origin: germline. Inheritance: Autosomal recessive inheritance. Affected: yes.
Comment: A heterozygous splice site variant was identified, NM_015312.3(KIAA1109):c.10540-5T>C in intron 59 of 83 of the KIAA1109 gene. This substitution may cause aberrant splicing of the KIAA1109 gene and affect protein function; further testing via RNA studies are required to confirm if splicing is altered. The nucleotide at this position has low conservation (PhyloP, UCSC). In silico software does not predict the splice site variant to cause aberrant splicing (NetGene2, NNSPLICE, Human Splicing Finder). The variant is not present in the gnomAD population database and it has not previously been reported in clinical cases. Based on information available at the time of curation, this variant has been classified as a VARIANT of UNCERTAIN SIGNIFICANCE (VUS) with LOW CLINICAL RELEVANCE.